The following is an entry in ClinVar:

NM_024422.6(DSC2):c.574A>G (p.Thr192Ala)

Gene: DSC2 (desmocollin 2; minus strand). Cytogenetic location: 18q12.1.
Variant type: single nucleotide variant.
Coding change: c.574A>G on transcript NM_024422.6 (MANE Select); coding-DNA position 574, A replaced by G.
Protein change: p.Thr192Ala; replaces threonine 192 with alanine.
Molecular consequence: missense variant.
Genome position (GRCh38, 1-based): chr18:31,089,495, T>C on the plus strand (A>G on the coding strand, the complement: DSC2 is on the minus strand). VCF-style: chr18-31089495-T-C. GRCh37 (hg19) VCF-style: chr18-28669458-T-C.
Other names: c.145A>G, p.Thr49Ala (NM_001406506.1, NM_001406507.1); c.574A>G, p.Thr192Ala (NM_004949.5); short protein forms T192A, T49A.
Identifiers: ClinVar variation 3703168 (VCV003703168.3).

ClinVar aggregate classification (germline): Uncertain significance. Review status: criteria provided, multiple submitters, no conflicts (2 of 4 stars). 2 submissions from 2 submitters: Uncertain significance (2). Last evaluated 2024-02-22.

Conditions:
Arrhythmogenic right ventricular dysplasia 11. Also called: ARRHYTHMOGENIC RIGHT VENTRICULAR DYSPLASIA, FAMILIAL, 11; Arrhythmogenic Right Ventricular Dysplasia/Cardiomyopathy11; Arrhythmogenic right ventricular dysplasia 11 with mild palmoplantar keratoderma and woolly hair. Identifiers: MedGen C1864850, MONDO:0012506, OMIM 610476.
Cardiomyopathy (CMYO). Also called: Cardiomyopathies. Identifiers: Orphanet 167848, MedGen C0878544, MONDO:0004994, HP:0001638. Inheritance: Various modes of inheritance.

gnomAD v4.1: 3 of 1,614,050 alleles (0.00019%); highest among the groups gnomAD compares: Non-Finnish European, 0.00017%; no homozygotes.

Submissions (2):

Labcorp Genetics (formerly Invitae), Labcorp
Classification: Uncertain significance for Arrhythmogenic right ventricular dysplasia 11. Last evaluated: 2024-02-22. Review status: criteria provided, single submitter. Criteria: Invitae Variant Classification Sherloc (09022015). Collection method: clinical testing. Allele origin: germline.
Comment: This sequence change replaces threonine, which is neutral and polar, with alanine, which is neutral and non-polar, at codon 192 of the DSC2 protein (p.Thr192Ala). This variant is not present in population databases (gnomAD no frequency). This missense change has been observed in individual(s) with DSC2-related conditions (PMID: 33232181). Advanced modeling of protein sequence and biophysical properties (such as structural, functional, and spatial information, amino acid conservation, physicochemical variation, residue mobility, and thermodynamic stability) has been performed at Invitae for this missense variant, however the output from this modeling did not meet the statistical confidence thresholds required to predict the impact of this variant on DSC2 protein function. In summary, the available evidence is currently insufficient to determine the role of this variant in disease. Therefore, it has been classified as a Variant of Uncertain Significance.

Color Diagnostics, LLC DBA Color Health
Classification: Uncertain significance for Cardiomyopathy. Last evaluated: 2023-11-29. Review status: criteria provided, single submitter. Criteria: ACMG Guidelines, 2015. Collection method: clinical testing. Allele origin: germline.
Comment: This missense variant replaces threonine with alanine at codon 192 of the DSC2 protein. Computational prediction suggests that this variant may not impact protein structure and function. To our knowledge, functional studies have not been reported for this variant. This variant has been reported in an individual affected with arrhythmogenic right ventricular cardiomyopathy (PMID: 37418234). This variant has not been identified in the general population by the Genome Aggregation Database (gnomAD). The available evidence is insufficient to determine the role of this variant in disease conclusively. Therefore, this variant is classified as a Variant of Uncertain Significance.

Literature cited by the submitters: PubMed 33232181 (cited by Labcorp Genetics (formerly Invitae), Labcorp); PubMed 37418234 (cited by Color Diagnostics, LLC DBA Color Health).